The following is an entry in ClinVar:

NM_012471.3(TRPC5):c.2105G>A (p.Arg702His)

Gene: TRPC5 (transient receptor potential cation channel subfamily C member 5; minus strand). Cytogenetic location: Xq23.
Variant type: single nucleotide variant.
Coding change: c.2105G>A on transcript NM_012471.3 (MANE Select); coding-DNA position 2105, G replaced by A.
Protein change: p.Arg702His; replaces arginine 702 with histidine.
Molecular consequence: missense variant.
Genome position (GRCh38, 1-based): chrX:111,781,202, C>T on the plus strand (G>A on the coding strand, the complement: TRPC5 is on the minus strand). VCF-style: chrX-111781202-C-T. GRCh37 (hg19) VCF-style: chrX-111024430-C-T.
Other names: short protein forms R702H.
Identifiers: ClinVar variation 3051317 (VCV003051317.2), dbSNP rs36047478, ClinGen allele CA10494207.

ClinVar aggregate classification (germline): Likely benign (0 of 4 stars; one submission).

Conditions:
TRPC5-related disorder. Also called: TRPC5-related condition.

Allele frequency attached by ClinVar (database versions not stated): gnomAD exomes 0.00017; ExAC 0.00055; gnomAD 0.00147; TOPMed 0.00164; 1000 Genomes Project 0.00185; ESP Exome Variant Server 0.00189; 1000 Genomes Project 30x 0.00208.
gnomAD v4.1: 362 of 1,206,627 alleles (0.03%); highest among the groups gnomAD compares: African/African-American, 0.53%; 1 homozygote.

Submission:

PreventionGenetics, part of Exact Sciences
Classification: Likely benign for TRPC5-related condition. Last evaluated: 2021-06-23. Review status: no assertion criteria provided. Collection method: clinical testing. Allele origin: germline.
Comment: This variant is classified as likely benign based on ACMG/AMP sequence variant interpretation guidelines (Richards et al. 2015 PMID: 25741868, with internal and published modifications).